The following is an entry in ClinVar:

NM_020638.3(FGF23):c.*1398T>A

Gene: FGF23 (fibroblast growth factor 23; minus strand). Cytogenetic location: 12p13.32.
Variant type: single nucleotide variant.
Coding change: c.*1398T>A on transcript NM_020638.3 (MANE Select); 1398 bases downstream of the stop codon, T replaced by A.
Molecular consequence: 3 prime UTR variant.
Genome position (GRCh38, 1-based): chr12:4,368,945, A>T on the plus strand (T>A on the coding strand, the complement: FGF23 is on the minus strand). VCF-style: chr12-4368945-A-T. GRCh37 (hg19) VCF-style: chr12-4478111-A-T.
Identifiers: ClinVar variation 880634 (VCV000880634.4), dbSNP rs531815578, ClinGen allele CA231756424.

ClinVar aggregate classification (germline): Conflicting classifications of pathogenicity. Review status: criteria provided, conflicting classifications (1 of 4 stars). 2 submissions from 1 submitter: Uncertain significance (1); Likely benign (1). Last evaluated 2018-01-13.

Conditions:
Tumoral calcinosis, hyperphosphatemic, familial, 2. Identifiers: MedGen C4693863, MONDO:0060714, OMIM 617993.
Autosomal dominant hypophosphatemic rickets (ADHR). Also called: HYPOPHOSPHATEMIA, AUTOSOMAL DOMINANT; VITAMIN D-RESISTANT RICKETS, AUTOSOMAL DOMINANT. Identifiers: Orphanet 89937, MedGen C0342642, MONDO:0008660, OMIM 193100.

Allele frequency attached by ClinVar (database versions not stated): gnomAD exomes 0.00006; gnomAD 0.00018 and 0.00019; TOPMed 0.00022; 1000 Genomes Project 30x 0.00062; 1000 Genomes Project 0.00080.

Submissions (2):

Illumina Laboratory Services, Illumina
Classification: Likely benign for Autosomal dominant hypophosphatemic rickets. Last evaluated: 2018-01-13. Review status: criteria provided, single submitter. Criteria: ICSL Variant Classification Criteria 13 December 2019. Collection method: clinical testing. Allele origin: germline.
Comment: This variant was observed in the ICSL laboratory as part of a predisposition screen in an ostensibly healthy population. It had not been previously curated by ICSL or reported in the Human Gene Mutation Database (HGMD: prior to June 1st, 2018), and was therefore a candidate for classification through an automated scoring system. Utilizing variant allele frequency, disease prevalence and penetrance estimates, and inheritance mode, an automated score was calculated to assess if this variant is too frequent to cause the disease. Based on the score and internal cut-off values, a variant classified as likely benign is not then subjected to further curation. The score for this variant resulted in a classification of likely benign for this disease.

Illumina Laboratory Services, Illumina
Classification: Uncertain significance for Tumoral calcinosis, hyperphosphatemic, familial, 2. Last evaluated: 2018-01-13. Review status: criteria provided, single submitter. Criteria: ICSL Variant Classification Criteria 13 December 2019. Collection method: clinical testing. Allele origin: germline.